The following is an entry in ClinVar:

ClinVar aggregate classification (germline): Uncertain significance. Review status: criteria provided, multiple submitters, no conflicts (2 of 4 stars). 3 submissions from 3 submitters: Uncertain significance (3). Last evaluated 2025-06-23.

Conditions:
Inborn genetic diseases. Identifiers: MedGen C0950123, MeSH D030342.

Allele frequency attached by ClinVar (database versions not stated): gnomAD exomes 0.00005; gnomAD 0.00006; TOPMed 0.00008; ExAC 0.00001.

Submissions (3):

Ambry Genetics
Classification: Uncertain significance for Inborn genetic diseases. Last evaluated: 2025-06-23. Review status: criteria provided, single submitter. Criteria: Ambry Variant Classification Scheme 2023. Collection method: clinical testing. Allele origin: germline.

Labcorp Genetics (formerly Invitae), Labcorp
Classification: Uncertain significance. Last evaluated: 2025-02-19. Review status: criteria provided, single submitter. Criteria: Invitae Variant Classification Sherloc (09022015). Collection method: clinical testing. Allele origin: germline.
Comment: This sequence change replaces asparagine, which is neutral and polar, with serine, which is neutral and polar, at codon 195 of the DSPP protein (p.Asn195Ser). This variant is present in population databases (rs771656371, gnomAD 0.01%). This variant has not been reported in the literature in individuals affected with DSPP-related conditions. ClinVar contains an entry for this variant (Variation ID: 1712815). An algorithm developed to predict the effect of missense changes on protein structure and function outputs the following: PolyPhen-2: "Possibly Damaging". The serine amino acid residue is found in multiple mammalian species, which suggests that this missense change does not adversely affect protein function. In summary, the available evidence is currently insufficient to determine the role of this variant in disease. Therefore, it has been classified as a Variant of Uncertain Significance.

GeneDx
Classification: Uncertain significance. Last evaluated: 2022-04-26. Review status: criteria provided, single submitter. Criteria: GeneDx Variant Classification Process June 2021. Collection method: clinical testing. Allele origin: germline. Affected: yes.
Comment: In silico analysis supports that this missense variant does not alter protein structure/function; Has not been previously published as pathogenic or benign to our knowledge

NM_014208.3(DSPP):c.584A>G (p.Asn195Ser)

Genes: DMP1-AS1 (DMP1 and DSPP antisense RNA 1; minus strand), DSPP (dentin sialophosphoprotein; plus strand). Cytogenetic location: 4q22.1.
Variant type: single nucleotide variant.
Coding change: c.584A>G on transcript NM_014208.3 (MANE Select); coding-DNA position 584, A replaced by G.
Protein change: p.Asn195Ser; replaces asparagine 195 with serine.
Molecular consequence: missense variant.
Genome position (GRCh38, 1-based): chr4:87,612,770, A>G. VCF-style: chr4-87612770-A-G. GRCh37 (hg19) VCF-style: chr4-88533922-A-G.
Other names: short protein forms N195S.
Identifiers: ClinVar variation 1712815 (VCV001712815.5), dbSNP rs771656371, ClinGen allele CA3000922.
Genomic context (GRCh38, chr4:87,612,770, plus strand): 5'-ATGTCGCTGTTGTCCAAGAAGATGGACCTCAAGTAGCTGGAAGCAATAACAGTACAGACA[A>G]TGAGGATGAAATAATTGAGAATTCCTGTAGAAACGAGGGTAATACAAGTGAAATAACACC-3'
Protein context (NP_055023.2, residues 185-205): QVAGSNNSTD[Asn195Ser]EDEIIENSCR